The following is an entry in ClinVar:

ClinVar aggregate classification (germline): Uncertain significance (1 of 4 stars; one submission).

Conditions:
PRRC2B-related condition.

gnomAD v4.1: 53 of 1,613,672 alleles (0.0033%); highest among the groups gnomAD compares: Non-Finnish European, 0.0036%; no homozygotes.

Submission:

PreventionGenetics, part of Exact Sciences
Classification: Uncertain significance for PRRC2B-related condition. Last evaluated: 2026-05-18. Review status: criteria provided, single submitter. Criteria: ACMG Guidelines, 2015. Collection method: clinical testing. Allele origin: germline.
Comment: The PRRC2B c.3742C>T variant is predicted to result in the amino acid substitution p.Arg1248Trp. To our knowledge, this variant has not been reported in the literature. This variant is reported in 0.0065% of alleles in individuals of African descent in gnomAD. At this time, the clinical significance of this variant is uncertain due to the absence of conclusive functional and genetic evidence.

NM_013318.4(PRRC2B):c.3742C>T (p.Arg1248Trp)

Gene: PRRC2B (proline rich coiled-coil 2B; plus strand). Cytogenetic location: 9q34.13.
Variant type: single nucleotide variant.
Coding change: c.3742C>T on transcript NM_013318.4 (MANE Select); coding-DNA position 3742, C replaced by T.
Protein change: p.Arg1248Trp; replaces arginine 1248 with tryptophan.
Molecular consequence: missense variant. On other transcripts: intron variant (1).
Genome position (GRCh38, 1-based): chr9:131,475,871, C>T. VCF-style: chr9-131475871-C-T. GRCh37 (hg19) VCF-style: chr9-134351258-C-T.
Other names: c.3742C>T, p.Arg1248Trp (NM_001384818.1, NM_001384821.1, NM_001384822.1); c.2325-1873C>T (NM_001384823.1); short protein forms R1248W.
Identifiers: ClinVar variation 4989404 (VCV004989404.1).